The following is an entry in ClinVar:

ClinVar aggregate classification (germline): Uncertain significance (1 of 4 stars; one submission).

Conditions:
Ataxia-telangiectasia syndrome (AT). Also called: LOUIS-BAR SYNDROME; Ataxia telangiectasia (A-T); Cerebello-oculocutaneous telangiectasia; Immunodeficiency with ataxia telangiectasia; ATAXIA-TELANGIECTASIA, COMPLEMENTATION GROUP A; ATAXIA-TELANGIECTASIA, FRESNO VARIANT. Identifiers: Orphanet 100, MedGen C0004135, MONDO:0008840, OMIM 208900.

Submission:

Labcorp Genetics (formerly Invitae), Labcorp
Classification: Uncertain significance for Ataxia-telangiectasia syndrome. Last evaluated: 2019-06-17. Review status: criteria provided, single submitter. Criteria: Invitae Variant Classification Sherloc (09022015). Collection method: clinical testing. Allele origin: germline.
Comment: This variant is not present in population databases (ExAC no frequency). This sequence change replaces glutamic acid with valine at codon 1186 of the ATM protein (p.Glu1186Val). The glutamic acid residue is moderately conserved and there is a moderate physicochemical difference between glutamic acid and valine. This variant has not been reported in the literature in individuals with ATM-related conditions. Algorithms developed to predict the effect of missense changes on protein structure and function are either unavailable or do not agree on the potential impact of this missense change (SIFT: "Tolerated"; PolyPhen-2: "Possibly Damaging"; Align-GVGD: "Class C0"). In summary, the available evidence is currently insufficient to determine the role of this variant in disease. Therefore, it has been classified as a Variant of Uncertain Significance.

NM_000051.4(ATM):c.3557A>T (p.Glu1186Val)

Gene: ATM (ATM serine/threonine kinase; plus strand). Cytogenetic location: 11q22.3.
Variant type: single nucleotide variant.
Coding change: c.3557A>T on transcript NM_000051.4 (MANE Select); coding-DNA position 3557, A replaced by T.
Protein change: p.Glu1186Val; replaces glutamic acid 1186 with valine.
Molecular consequence: missense variant.
Genome position (GRCh38, 1-based): chr11:108,281,149, A>T. VCF-style: chr11-108281149-A-T. GRCh37 (hg19) VCF-style: chr11-108151876-A-T.
Other names: c.3557A>T, p.Glu1186Val (NM_001351834.2); short protein forms E1186V.
Identifiers: ClinVar variation 952405 (VCV000952405.9), dbSNP rs2082213706, ClinGen allele CA382520527.
Genomic context (GRCh38, chr11:108,281,149, plus strand): 5'-CTATCTGCGAAAAACAGGCTTTGTTTGCCCTGTGTAAATCTGTGAAAGAGAATGGATTAG[A>T]ACCTCACCTTGTGAAAAAGGTATATATGGATGAGTATTTTATTAGAAGCTTCCTTAGGTC-3'
Protein context (NP_000042.3, residues 1176-1196): LCKSVKENGL[Glu1186Val]PHLVKKVLEK